The following is an entry in ClinVar:

ClinVar aggregate classification (germline): Conflicting classifications of pathogenicity. Review status: criteria provided, conflicting classifications (1 of 4 stars). 2 submissions from 2 submitters: Uncertain significance (1); Likely benign (1). Last evaluated 2025-03-27.

Conditions:
Wilms tumor 1 (WT1). Also called: Wilms tumor, somatic. Identifiers: Orphanet 654, MedGen CN033288, MONDO:0008679, OMIM 194070.
Inborn genetic diseases. Identifiers: MedGen C0950123, MeSH D030342.

gnomAD v4.1: 1 of 1,532,094 alleles (0.000065%); highest among the groups gnomAD compares: East Asian, 0.0025%; no homozygotes.

Submissions (2):

Ambry Genetics
Classification: Likely benign for Inborn genetic diseases. Last evaluated: 2025-03-27. Review status: criteria provided, single submitter. Criteria: Ambry Variant Classification Scheme 2023. Collection method: clinical testing. Allele origin: germline.

All of Us Research Program, National Institutes of Health
Classification: Uncertain significance for Wilms tumor 1. Last evaluated: 2023-08-15. Review status: criteria provided, single submitter. Criteria: ACMG Guidelines, 2015. Collection method: clinical testing. Allele origin: germline. Inheritance: Autosomal dominant inheritance. Observed: 1 variant allele, 1 heterozygote.
Comment: This study involves interpretation of variants in research participants for the purpose of population health screening. Participant phenotype was not available at the time of variant classification. Additional details can be found in publication PMID: 35346344, PMCID: PMC8962531

NM_024426.6(WT1):c.25C>G (p.Pro9Ala)

Genes: WT1 (WT1 transcription factor; minus strand), LOC107982234 (WT1/WT1-AS bi-directional promoter region; plus strand). Cytogenetic location: 11p13.
Variant type: single nucleotide variant.
Coding change: c.25C>G on transcript NM_024426.6 (MANE Select); coding-DNA position 25, C replaced by G.
Protein change: p.Pro9Ala; replaces proline 9 with alanine.
Molecular consequence: missense variant. On other transcripts: non-coding transcript variant (2).
Genome position (GRCh38, 1-based): chr11:32,435,336, G>C on the plus strand (C>G on the coding strand, the complement: WT1 is on the minus strand). VCF-style: chr11-32435336-G-C. GRCh37 (hg19) VCF-style: chr11-32456882-G-C.
Other names: c.25C>G, p.Pro9Ala (NM_000378.6, NM_001407044.1, NM_001407045.1 and 6 more transcripts); c.-195C>G (NM_001429031.1, NM_001429032.1, NM_001429033.1 and 1 more transcripts); c.10C>G, p.Pro4Ala (NM_024425.2); c.10C>G (NM_024426.4); short protein forms P4A, P9A.
Identifiers: ClinVar variation 3072299 (VCV003072299.2), dbSNP rs1314273962, ClinGen allele CA379966542.
Genomic context (GRCh38, chr11:32,435,336, plus strand): 5'-ACCCAGGCCCGGAGCGGAGCGTGTGCTGAGACGCCGGCTCCGGGACACACGTGGAAGCCG[G>C]GTCCTGCAGCAAGAGGAAGTCCAGGATCGCGGCGAGGAGACGGCGGGGCCCGGGCGCCTG-3'
Protein context (NP_077744.4, residues 1-19): MDFLLLQD[Pro9Ala]ASTCVPEPAS